The following is an entry in ClinVar:

NM_002691.4(POLD1):c.620C>T (p.Ser207Phe)

Gene: POLD1 (DNA polymerase delta 1, catalytic subunit; plus strand). Cytogenetic location: 19q13.33.
Variant type: single nucleotide variant.
Coding change: c.620C>T on transcript NM_002691.4 (MANE Select); coding-DNA position 620, C replaced by T.
Protein change: p.Ser207Phe; replaces serine 207 with phenylalanine.
Molecular consequence: missense variant. On other transcripts: non-coding transcript variant (1).
Genome position (GRCh38, 1-based): chr19:50,402,235, C>T. VCF-style: chr19-50402235-C-T. GRCh37 (hg19) VCF-style: chr19-50905492-C-T.
Other names: c.620C>T, p.Ser207Phe (NM_001256849.1, NM_001308632.1); short protein forms S207F.
Identifiers: ClinVar variation 2007821 (VCV002007821.4), dbSNP rs2038674007, ClinGen allele CA406973932.
Genomic context (GRCh38, chr19:50,402,235, plus strand): 5'-TTGGCTGGTCCCAGCTTCTTCCATCCACAGGCATGTTTGGGTACCACGGGCACGGCCCCT[C>T]CCCGTTCCTGCGCATCACCGTGGCGCTGCCGCGCCTCGTGGCCCCGGCCCGCCGTCTCCT-3'
Protein context (NP_002682.2, residues 197-217): SMFGYHGHGP[Ser207Phe]PFLRITVALP

ClinVar aggregate classification (germline): Uncertain significance (1 of 4 stars; one submission).

Conditions:
POLD1-related polyposis and colorectal cancer syndrome (CRCS10). Also called: Colorectal cancer 10; COLORECTAL CANCER, SUSCEPTIBILITY TO, ON CHROMOSOME 19q; Colorectal cancer, susceptibility to, 10. Identifiers: Orphanet 220460, MedGen C2675481, MONDO:0012953, OMIM 612591.

gnomAD v4.1: 1 of 1,592,280 alleles (0.000063%); highest among the groups gnomAD compares: Non-Finnish European, 0.000086%; no homozygotes.

Submission:

Labcorp Genetics (formerly Invitae), Labcorp
Classification: Uncertain significance for POLD1-related polyposis and colorectal cancer syndrome. Last evaluated: 2023-05-22. Review status: criteria provided, single submitter. Criteria: Invitae Variant Classification Sherloc (09022015). Collection method: clinical testing. Allele origin: germline.
Comment: ClinVar contains an entry for this variant (Variation ID: 2007821). This variant has not been reported in the literature in individuals affected with POLD1-related conditions. This variant is not present in population databases (gnomAD no frequency). This sequence change replaces serine, which is neutral and polar, with phenylalanine, which is neutral and non-polar, at codon 207 of the POLD1 protein (p.Ser207Phe). Advanced modeling of protein sequence and biophysical properties (such as structural, functional, and spatial information, amino acid conservation, physicochemical variation, residue mobility, and thermodynamic stability) performed at Invitae indicates that this missense variant is not expected to disrupt POLD1 protein function. In summary, the available evidence is currently insufficient to determine the role of this variant in disease. Therefore, it has been classified as a Variant of Uncertain Significance.